The following is an entry in ClinVar:

ClinVar aggregate classification (germline): Likely benign (1 of 4 stars; one submission).

Allele frequency attached by ClinVar (database versions not stated): gnomAD exomes 0.00011; gnomAD 0.00013; ExAC 0.00016; TOPMed 0.00017.
gnomAD v4.1: 187 of 1,613,012 alleles (0.012%); highest among the groups gnomAD compares: Middle Eastern, 0.049%; no homozygotes.

Submission:

CeGaT Center for Human Genetics Tuebingen
Classification: Likely benign. Last evaluated: 2022-03-01. Review status: criteria provided, single submitter. Criteria: CeGaT Center For Human Genetics Tuebingen Variant Classification Criteria Version 2. Collection method: clinical testing. Allele origin: germline. Affected: yes. Observed: 1 variant allele.
Comment: JPH3: BP4, BP7

NM_020655.4(JPH3):c.1029C>T (p.Leu343=)

Gene: JPH3 (junctophilin 3; plus strand). Cytogenetic location: 16q24.2.
Variant type: single nucleotide variant.
Coding change: c.1029C>T on transcript NM_020655.4 (MANE Select); coding-DNA position 1029, C replaced by T.
Protein change: p.Leu343=; no amino-acid change (leucine 343 retained).
Molecular consequence: synonymous variant. On other transcripts: non-coding transcript variant (1).
Genome position (GRCh38, 1-based): chr16:87,644,904, C>T. VCF-style: chr16-87644904-C-T. GRCh37 (hg19) VCF-style: chr16-87678510-C-T.
Identifiers: ClinVar variation 2646962 (VCV002646962.24), dbSNP rs766984416, ClinGen allele CA8220930.
Genomic context (GRCh38, chr16:87,644,904, plus strand): 5'-CGGCTGCATGACCTTCCCGGACGGCACCAAGGAGGAGGGCAAGTACAAGCAGAACATCCT[C>T]GTCGGCGGCAAGCGCAAGAACCTCATCCCCCTGCGGGCCAGCAAGATCCGCGAGAAGGTG-3'
Protein context (NP_065706.2, residues 333-353): KEEGKYKQNI[Leu343=]VGGKRKNLIP